The following is an entry in ClinVar:

ClinVar aggregate classification (germline): Uncertain significance. Review status: criteria provided, multiple submitters, no conflicts (2 of 4 stars). 4 submissions from 4 submitters: Uncertain significance (4). Last evaluated 2025-05-13.

Conditions:
Visceral myopathy 2. Identifiers: MedGen C5543466, MONDO:0859157, OMIM 619350.
Megacystis-microcolon-intestinal hypoperistalsis syndrome 2. Identifiers: MedGen C5543476, MONDO:0025708, OMIM 619351.
Aortic aneurysm, familial thoracic 4 (AAT4). Also called: AORTIC ANEURYSM/AORTIC DISSECTION AND PATENT DUCTUS ARTERIOSUS. Identifiers: MedGen C1851504, MONDO:0007568, OMIM 132900.

Allele frequency attached by ClinVar (database versions not stated): gnomAD exomes 0.00001; ExAC 0.00002; TOPMed 0.00004; gnomAD 0.00005; 1000 Genomes Project 30x 0.00016; 1000 Genomes Project 0.00020.
gnomAD v4.1: 19 of 1,611,260 alleles (0.0012%); highest among the groups gnomAD compares: African/African-American, 0.008%; no homozygotes.

Submissions (4):

GeneDx
Classification: Uncertain significance. Last evaluated: 2025-05-13. Review status: criteria provided, single submitter. Criteria: GeneDx Variant Classification Process June 2021. Collection method: clinical testing. Allele origin: germline. Affected: yes.
Comment: Not observed at significant frequency in large population cohorts (gnomAD); In silico analysis supports that this missense variant has a deleterious effect on protein structure/function; Has not been previously published as pathogenic or benign to our knowledge; This variant is associated with the following publications: (PMID: 21529752)

Labcorp Genetics (formerly Invitae), Labcorp
Classification: Uncertain significance for Aortic aneurysm, familial thoracic 4. Last evaluated: 2025-04-19. Review status: criteria provided, single submitter. Criteria: Invitae Variant Classification Sherloc (09022015). Collection method: clinical testing. Allele origin: germline.
Comment: This sequence change replaces arginine, which is basic and polar, with histidine, which is basic and polar, at codon 1784 of the MYH11 protein (p.Arg1784His). The frequency data for this variant in the population databases is considered unreliable, as metrics indicate poor data quality at this position in the gnomAD database. This variant has not been reported in the literature in individuals affected with MYH11-related conditions. ClinVar contains an entry for this variant (Variation ID: 318096). Invitae Evidence Modeling of protein sequence and biophysical properties (such as structural, functional, and spatial information, amino acid conservation, physicochemical variation, residue mobility, and thermodynamic stability) indicates that this missense variant is not expected to disrupt MYH11 protein function with a negative predictive value of 95%. In summary, the available evidence is currently insufficient to determine the role of this variant in disease. Therefore, it has been classified as a Variant of Uncertain Significance.

Fulgent Genetics
Classification: Uncertain significance for Aortic aneurysm, familial thoracic 4; Visceral myopathy 2; Megacystis-microcolon-intestinal hypoperistalsis syndrome 2. Last evaluated: 2021-11-04. Review status: criteria provided, single submitter. Criteria: ACMG Guidelines, 2015. Collection method: clinical testing. Allele origin: unknown.

Illumina Laboratory Services, Illumina
Classification: Uncertain significance for Aortic aneurysm, familial thoracic 4. Last evaluated: 2018-01-13. Review status: criteria provided, single submitter. Criteria: ICSL Variant Classification Criteria 13 December 2019. Collection method: clinical testing. Allele origin: germline.

NM_002474.3(MYH11):c.5330G>A (p.Arg1777His)

Genes: MYH11 (myosin heavy chain 11; minus strand), NDE1 (nudE neurodevelopment protein 1; plus strand). Cytogenetic location: 16p13.11.
Variant type: single nucleotide variant.
Coding change: c.5330G>A on transcript NM_002474.3 (MANE Select); coding-DNA position 5330, G replaced by A.
Protein change: p.Arg1777His; replaces arginine 1777 with histidine.
Molecular consequence: missense variant. On other transcripts: intron variant (2).
Genome position (GRCh38, 1-based): chr16:15,717,314, C>T on the plus strand (G>A on the coding strand, the complement: MYH11 is on the minus strand). VCF-style: chr16-15717314-C-T. GRCh37 (hg19) VCF-style: chr16-15811171-C-T.
Other names: c.5351G>A, p.Arg1784His (NM_001040113.2, NM_001040114.2); c.5330G>A, p.Arg1777His (NM_022844.3); c.948-6877C>T (NM_001143979.2, NM_017668.3); short protein forms R1784H, R1777H.
Identifiers: ClinVar variation 318096 (VCV000318096.11), dbSNP rs201754049, ClinGen allele CA7921301.
Genomic context (GRCh38, chr16:15,717,314, plus strand): 5'-AGCTCCTTGTTCTGCCGCTCGAGCTGCTGCCGGGCACTCTCATTCTTCTGGGCCGTGCTG[C>T]GCTCTGTGGCCAGCTCGTTGCTGAGCTGCTCGGCCTGGGGAGGAGAGTGAAGGCCATGAG-3'
Protein context (NP_002465.1, residues 1767-1787): EQLSNELATE[Arg1777His]STAQKNESAR